The following is an entry in ClinVar:

NM_000321.3(RB1):c.2034_2059del (p.Ile679fs)

Gene: RB1 (RB transcriptional corepressor 1; plus strand). Cytogenetic location: 13q14.2.
Variant type: Deletion.
Coding change: c.2034_2059del on transcript NM_000321.3 (MANE Select); coding-DNA positions 2034 to 2059, 26 bases deleted (TATCATCTGGACCCTTTTCCAGCACA).
Protein change: p.Ile679fs; shifts the reading frame from isoleucine 679.
Molecular consequence: frameshift variant.
Genome position (GRCh38, 1-based): chr13:48,459,761-48,459,786, TATCATCTGGACCCTTTTCCAGCACA deleted; deleting any 26 consecutive bases within chr13:48,459,758-48,459,786 gives the same sequence; the c. name uses the placement nearest the transcript's 3' end. VCF-style (leftmost placement, unchanged base first): chr13-48459757-AACATATCATCTGGACCCTTTTCCAGC-A. GRCh37 (hg19) VCF-style: chr13-49033893-AACATATCATCTGGACCCTTTTCCAGC-A.
Other names: c.2034_2059del26, p.Ile679Profs (NM_000321.2); c.2034_2059del, p.Ile679fs (NM_001407165.1); short protein forms I679fs.
Identifiers: ClinVar variation 3377798 (VCV003377798.1).

ClinVar aggregate classification (germline): Pathogenic (1 of 4 stars; one submission).

Conditions:
Retinoblastoma (RB1). Also called: RETINOBLASTOMA, SOMATIC. Identifiers: Orphanet 790, MedGen C0035335, MeSH D012175, MONDO:0008380, OMIM 180200, HP:0009919. Disease mechanism: loss of function. Inheritance: Both sporadic and heritable forms are tested..

Submission:

St. Jude Molecular Pathology, St. Jude Children's Research Hospital
Classification: Pathogenic for Retinoblastoma. Last evaluated: 2024-05-08. Review status: criteria provided, single submitter. Criteria: St. Jude Assertion Criteria 2020. Collection method: clinical testing. Allele origin: germline. Affected: yes.
Comment: The RB1 c.2034_2059del (p.Ile679ProfsTer4) change deletes 26 nucleotides to cause a frameshift and the creation of a premature stop codon. This change is predicted to cause protein truncation or absence of protein due to nonsense-mediated decay. This variant is also absent in gnomAD v2.1.1. In summary, this variant meets criteria to be classified as pathogenic.